The following is an entry in ClinVar:

NM_006662.3(SRCAP):c.5618G>T (p.Arg1873Leu)

Gene: SRCAP (Snf2 related CREBBP activator protein; plus strand). Cytogenetic location: 16p11.2.
Variant type: single nucleotide variant.
Coding change: c.5618G>T on transcript NM_006662.3 (MANE Select); coding-DNA position 5618, G replaced by T.
Protein change: p.Arg1873Leu; replaces arginine 1873 with leucine.
Molecular consequence: missense variant.
Genome position (GRCh38, 1-based): chr16:30,725,042, G>T. VCF-style: chr16-30725042-G-T. GRCh37 (hg19) VCF-style: chr16-30736363-G-T.
Other names: short protein forms R1873L.
Identifiers: ClinVar variation 4760901 (VCV004760901.1).

ClinVar aggregate classification (germline): Uncertain significance (1 of 4 stars; one submission).

gnomAD v4.1: 1 of 1,611,850 alleles (0.000062%); highest among the groups gnomAD compares: Admixed American, 0.0017%; no homozygotes.

Submission:

Labcorp Genetics (formerly Invitae), Labcorp
Classification: Uncertain significance. Last evaluated: 2025-12-13. Review status: criteria provided, single submitter. Criteria: Invitae Variant Classification Sherloc (09022015). Collection method: clinical testing. Allele origin: germline.
Comment: This sequence change replaces arginine, which is basic and polar, with leucine, which is neutral and non-polar, at codon 1873 of the SRCAP protein (p.Arg1873Leu). This variant is present in population databases (no rsID available, gnomAD 0.003%). This variant has not been reported in the literature in individuals affected with SRCAP-related conditions. Invitae Evidence Modeling of protein sequence and biophysical properties (such as structural, functional, and spatial information, amino acid conservation, physicochemical variation, residue mobility, and thermodynamic stability) has been performed for this missense variant. However, the output from this modeling did not meet the statistical confidence thresholds required to predict the impact of this variant on SRCAP protein function. In summary, the available evidence is currently insufficient to determine the role of this variant in disease. Therefore, it has been classified as a Variant of Uncertain Significance.